The following is an entry in ClinVar:

NM_006946.4(SPTBN2):c.5474C>T (p.Pro1825Leu)

Gene: SPTBN2 (spectrin beta, non-erythrocytic 2; minus strand). Cytogenetic location: 11q13.2.
Variant type: single nucleotide variant.
Coding change: c.5474C>T on transcript NM_006946.4 (MANE Select); coding-DNA position 5474, C replaced by T.
Protein change: p.Pro1825Leu; replaces proline 1825 with leucine.
Molecular consequence: missense variant.
Genome position (GRCh38, 1-based): chr11:66,691,375, G>A on the plus strand (C>T on the coding strand, the complement: SPTBN2 is on the minus strand). VCF-style: chr11-66691375-G-A. GRCh37 (hg19) VCF-style: chr11-66458846-G-A.
Other names: short protein forms P1825L.
Identifiers: ClinVar variation 994472 (VCV000994472.33), dbSNP rs140642213, ClinGen allele CA6128268.

ClinVar aggregate classification (germline): Conflicting classifications of pathogenicity. Review status: criteria provided, conflicting classifications (1 of 4 stars). 5 submissions from 5 submitters: Uncertain significance (3); Likely benign (2). Last evaluated 2025-11-11.

Conditions:
Inborn genetic diseases. Identifiers: MedGen C0950123, MeSH D030342.

Allele frequency attached by ClinVar (database versions not stated): ExAC 0.00005; gnomAD exomes 0.00006 and 0.00009; TOPMed 0.00006; gnomAD 0.00007; ESP Exome Variant Server 0.00015.
gnomAD v4.1: 134 of 1,595,124 alleles (0.0084%); highest among the groups gnomAD compares: Admixed American, 0.013%; no homozygotes.

Submissions (5):

Ambry Genetics
Classification: Uncertain significance for Inborn genetic diseases. Last evaluated: 2025-11-11. Review status: criteria provided, single submitter. Criteria: Ambry Variant Classification Scheme 2023. Collection method: clinical testing. Allele origin: germline.

CeGaT Center for Human Genetics Tuebingen
Classification: Uncertain significance. Last evaluated: 2025-07-01. Review status: criteria provided, single submitter. Criteria: CeGaT Center For Human Genetics Tuebingen Variant Classification Criteria Version 2. Collection method: clinical testing. Allele origin: germline. Affected: yes. Observed: 5 variant alleles.
Comment: SPTBN2: PM2

GeneDx
Classification: Uncertain significance. Last evaluated: 2024-05-28. Review status: criteria provided, single submitter. Criteria: GeneDx Variant Classification Process June 2021. Collection method: clinical testing. Allele origin: germline. Affected: yes.
Comment: In silico analysis supports that this missense variant has a deleterious effect on protein structure/function; Has not been previously published as pathogenic or benign to our knowledge

Labcorp Genetics (formerly Invitae), Labcorp
Classification: Likely benign. Last evaluated: 2024-04-10. Review status: criteria provided, single submitter. Criteria: Invitae Variant Classification Sherloc (09022015). Collection method: clinical testing. Allele origin: germline.

Athena Diagnostics
Classification: Likely benign. Last evaluated: 2020-07-16. Review status: criteria provided, single submitter. Criteria: Athena Diagnostics Criteria. Collection method: clinical testing. Allele origin: unknown.